The following is an entry in ClinVar:

NM_004168.4(SDHA):c.536A>G (p.Lys179Arg)

Gene: SDHA (succinate dehydrogenase complex flavoprotein subunit A; plus strand). Cytogenetic location: 5p15.33.
Variant type: single nucleotide variant.
Coding change: c.536A>G on transcript NM_004168.4 (MANE Select); coding-DNA position 536, A replaced by G.
Protein change: p.Lys179Arg; replaces lysine 179 with arginine.
Molecular consequence: missense variant.
Genome position (GRCh38, 1-based): chr5:225,962, A>G. VCF-style: chr5-225962-A-G. GRCh37 (hg19) VCF-style: chr5-226077-A-G.
Other names: c.392A>G, p.Lys131Arg (NM_001294332.2); c.536A>G, p.Lys179Arg (NM_001330758.2); c.536A>G (NM_004168.2); short protein forms K179R, K131R.
Identifiers: ClinVar variation 2948234 (VCV002948234.4), dbSNP rs2477299850, ClinGen allele CA359010284.

ClinVar aggregate classification (germline): Uncertain significance. Review status: criteria provided, multiple submitters, no conflicts (2 of 4 stars). 2 submissions from 2 submitters: Uncertain significance (2). Last evaluated 2024-03-28.

Conditions:
Hereditary cancer-predisposing syndrome. Also called: Neoplastic Syndromes, Hereditary; Tumor predisposition; Hereditary Cancer Syndrome; Hereditary neoplastic syndrome. Identifiers: Orphanet 140162, MedGen C0027672, MeSH D009386, MONDO:0015356.
Mitochondrial complex II deficiency, nuclear type 1. Also called: SUCCINATE CoQ REDUCTASE DEFICIENCY. Identifiers: Orphanet 3208, MedGen C5700310, MONDO:0100294, OMIM 252011.
Pheochromocytoma/paraganglioma syndrome 5. Also called: Paragangliomas 5; SDHA-Related Hereditary Paraganglioma-Pheochromocytoma Syndrome. Identifiers: Orphanet 29072, MedGen C3279992, MONDO:0013602, OMIM 614165.

Submissions (2):

Ambry Genetics
Classification: Uncertain significance for Hereditary cancer-predisposing syndrome. Last evaluated: 2024-03-28. Review status: criteria provided, single submitter. Criteria: Ambry Variant Classification Scheme 2023. Collection method: clinical testing. Allele origin: germline.
Comment: The p.K179R variant (also known as c.536A>G), located in coding exon 5 of the SDHA gene, results from an A to G substitution at nucleotide position 536. The lysine at codon 179 is replaced by arginine, an amino acid with highly similar properties. This amino acid position is well conserved in available vertebrate species. In addition, the in silico prediction for this alteration is inconclusive. Based on the available evidence, the clinical significance of this alteration remains unclear.

Labcorp Genetics (formerly Invitae), Labcorp
Classification: Uncertain significance for Pheochromocytoma/paraganglioma syndrome 5; Mitochondrial complex II deficiency, nuclear type 1. Last evaluated: 2023-05-26. Review status: criteria provided, single submitter. Criteria: Invitae Variant Classification Sherloc (09022015). Collection method: clinical testing. Allele origin: germline.
Comment: In summary, the available evidence is currently insufficient to determine the role of this variant in disease. Therefore, it has been classified as a Variant of Uncertain Significance. Advanced modeling of protein sequence and biophysical properties (such as structural, functional, and spatial information, amino acid conservation, physicochemical variation, residue mobility, and thermodynamic stability) performed at Invitae indicates that this missense variant is not expected to disrupt SDHA protein function. This variant has not been reported in the literature in individuals affected with SDHA-related conditions. This variant is not present in population databases (gnomAD no frequency). This sequence change replaces lysine, which is basic and polar, with arginine, which is basic and polar, at codon 179 of the SDHA protein (p.Lys179Arg).